The following is an entry in ClinVar:

ClinVar aggregate classification (germline): Uncertain significance (1 of 4 stars; one submission).

Conditions:
Hereditary cancer-predisposing syndrome. Also called: Neoplastic Syndromes, Hereditary; Tumor predisposition; Hereditary Cancer Syndrome; Hereditary neoplastic syndrome. Identifiers: Orphanet 140162, MedGen C0027672, MeSH D009386, MONDO:0015356.

Submission:

Ambry Genetics
Classification: Uncertain significance for Hereditary cancer-predisposing syndrome. Last evaluated: 2026-01-03. Review status: criteria provided, single submitter. Criteria: Ambry Variant Classification Scheme 2023. Collection method: clinical testing. Allele origin: germline.
Comment: The p.N90T variant (also known as c.269A>C), located in coding exon 1 of the STK11 gene, results from an A to C substitution at nucleotide position 269. The asparagine at codon 90 is replaced by threonine, an amino acid with similar properties. This amino acid position is conserved. In addition, the in silico prediction for this alteration is inconclusive. Based on the available evidence, the clinical significance of this variant remains unclear.

NM_000455.5(STK11):c.269A>C (p.Asn90Thr)

Gene: STK11 (serine/threonine kinase 11; plus strand). Cytogenetic location: 19p13.3.
Variant type: single nucleotide variant.
Coding change: c.269A>C on transcript NM_000455.5 (MANE Select); coding-DNA position 269, A replaced by C.
Protein change: p.Asn90Thr; replaces asparagine 90 with threonine.
Molecular consequence: missense variant. On other transcripts: non-coding transcript variant (1).
Genome position (GRCh38, 1-based): chr19:1,207,182, A>C. VCF-style: chr19-1207182-A-C. GRCh37 (hg19) VCF-style: chr19-1207181-A-C.
Other names: c.269A>C, p.Asn90Thr (NM_001407255.1); short protein forms N90T.
Identifiers: ClinVar variation 4832892 (VCV004832892.1).